The following is an entry in ClinVar:

GRCh38/hg38 22q11.21(chr22:20379205-21109442)x1

Genes: AIFM3 (AIF family member 3; plus strand), CRKL (CRK like proto-oncogene, adaptor protein; plus strand), KLHL22 (kelch like family member 22; minus strand), LINC01637 (long independently transcribed non-coding RNA 1637; plus strand), LRRC74B (leucine rich repeat containing 74B; plus strand) and 59 more. Cytogenetic location: 22q11.21.
Variant type: copy number loss.
Change: copy number 1 (one copy instead of two) of chr22:20,379,205-21,109,442 (730.2 kb, GRCh38 coordinates, 1-based), cytogenetic band 22q11.21.
Identifiers: ClinVar variation 4890947 (VCV004890947.1).

ClinVar aggregate classification (germline): Likely pathogenic (1 of 4 stars; one submission).

Submission:

Clinical Genomics Laboratory, Laboratory for Precision Diagnostics, University of Washington
Classification: Likely pathogenic. Last evaluated: 2023-09-11. Review status: criteria provided, single submitter. Criteria: ACMG/ClinGen CNV Guidelines, 2019. Collection method: clinical testing. Allele origin: maternal. Affected: yes. Observed: 1 variant allele.
Comment: The deletion is between breakpoints LCR22B and LCR22D, referred to as a central deletion. See PMID:26278718 for an extensive review of the clinical characteristics associated with 22q11.21 central deletions (LCR22 B/C-D deletions).

Literature cited by the submitters: PubMed 26278718; PubMed 33363922; PubMed 34221520; PubMed 36360320; PubMed 31543904.